The following is an entry in ClinVar:

ClinVar aggregate classification (germline): Conflicting classifications of pathogenicity. Review status: criteria provided, conflicting classifications (1 of 4 stars). 4 submissions from 4 submitters: Uncertain significance (2); Likely benign (2). Last evaluated 2025-12-01.

Allele frequency attached by ClinVar (database versions not stated): 1000 Genomes Project 30x 0.00031; 1000 Genomes Project 0.00040; ExAC 0.00068; ESP Exome Variant Server 0.00069.
gnomAD v4.1: 1,194 of 1,614,094 alleles (0.074%); highest among the groups gnomAD compares: Non-Finnish European, 0.07%; 1 homozygote.

Submissions (4):

CeGaT Center for Human Genetics Tuebingen
Classification: Uncertain significance. Last evaluated: 2025-12-01. Review status: criteria provided, single submitter. Criteria: CeGaT Center For Human Genetics Tuebingen Variant Classification Criteria Version 2. Collection method: clinical testing. Allele origin: germline. Affected: yes. Observed: 1 variant allele.
Comment: TRAPPC12: PM2, PP3

Labcorp Genetics (formerly Invitae), Labcorp
Classification: Likely benign. Last evaluated: 2025-11-09. Review status: criteria provided, single submitter. Criteria: Invitae Variant Classification Sherloc (09022015). Collection method: clinical testing. Allele origin: germline.

GeneDx
Classification: Uncertain significance. Last evaluated: 2023-06-01. Review status: criteria provided, single submitter. Criteria: GeneDx Variant Classification Process June 2021. Collection method: clinical testing. Allele origin: germline. Affected: yes.
Comment: In silico analysis supports that this missense variant has a deleterious effect on protein structure/function; Has not been previously published as pathogenic or benign to our knowledge

Women's Health and Genetics/Laboratory Corporation of America, LabCorp
Classification: Likely benign. Last evaluated: 2022-07-31. Review status: criteria provided, single submitter. Criteria: LabCorp Variant Classification Summary - May 2015. Collection method: clinical testing. Allele origin: germline.
Comment: Variant summary: TTC15 (TRAPPC12) c.1759G>A (p.Gly587Ser) results in a non-conservative amino acid change in the encoded protein sequence. Five of five in-silico tools predict a damaging effect of the variant on protein function. The variant allele was found at a frequency of 0.00081 in 282876 control chromosomes. Although this frequency does not allow conclusions about variant significance, it appears to be a broadly prevalent variant across all subpopulations in gnomAD database. To our knowledge, no occurrence of c.1759G>A in individuals affected with Early-Onset Progressive Encephalopathy-Hearing Loss-Pons Hypoplasia-Brain Atrophy Syndrome and no experimental evidence demonstrating its impact on protein function have been reported. One clinical diagnostic laboratory has submitted clinical-significance assessments for this variant to ClinVar after 2014 without evidence for independent evaluation and classified the variant as likely benign. Based on the evidence outlined above, the variant was classified as likely benign.

NM_016030.6(TRAPPC12):c.1759G>A (p.Gly587Ser)

Gene: TRAPPC12 (trafficking protein particle complex subunit 12; plus strand). Cytogenetic location: 2p25.3.
Variant type: single nucleotide variant.
Coding change: c.1759G>A on transcript NM_016030.6 (MANE Select); coding-DNA position 1759, G replaced by A.
Protein change: p.Gly587Ser; replaces glycine 587 with serine.
Molecular consequence: missense variant.
Genome position (GRCh38, 1-based): chr2:3,465,678, G>A. VCF-style: chr2-3465678-G-A. GRCh37 (hg19) VCF-style: chr2-3469449-G-A.
Other names: c.1759G>A, p.Gly587Ser (NM_001321102.2); short protein forms G587S.
Identifiers: ClinVar variation 1635831 (VCV001635831.15), dbSNP rs111556571, ClinGen allele CA1515616.
Genomic context (GRCh38, chr2:3,465,678, plus strand): 5'-GCGTATCATTCGGTTATCAAGTATTACCCAGAGCAAGAGCCCCAGCTGCTCAGCGGCATC[G>A]GCCGGATTTCCCTGCAGGTACCTGTGCACGGTCAGACATGAGCCAGAAAGGCCTTATGAT-3'
Protein context (NP_057114.5, residues 577-597): EQEPQLLSGI[Gly587Ser]RISLQIGDIK